The following is an entry in ClinVar:

ClinVar aggregate classification (germline): Likely pathogenic (1 of 4 stars; one submission).
ClinVar aggregate classification (somatic clinical impact): Tier I - Strong (1 of 4 stars; one submission).

Conditions:
Vascular malformation. Also called: Vascular malformations. Identifiers: MedGen C0158570, MONDO:0024291.
Giant cell glioblastoma. Identifiers: Orphanet 251579, MedGen C0334588, MONDO:0016682.

Submissions (2):

Institute for Genomic Medicine (IGM) Clinical Laboratory, Nationwide Children's Hospital
Classification: Tier I - Strong for Giant cell glioblastoma. Assertion type: diagnostic. Clinical significance: supports diagnosis. Last evaluated: 2024-08-29. Review status: criteria provided, single submitter. Criteria: AMP/ASCO/CAP Guidelines, 2017. Collection method: clinical testing. Allele origin: somatic. Affected: yes.
Comment: Variant has Tier I (strong) clinical significance as a diagnostic inclusion criterion in giant cell glioblastoma, based on the following evidence: 1) Appears in one or more well-established professional guidelines (e.g., World Health Organization [WHO]; National Comprehensive Cancer Network [NCCN]) as providing diagnostic, prognostic, or therapeutic information. 2) Diagnostic for a specific tumor type/classification based on well-powered studies with expert-level consensus (Evidence Level B; PMIDs: 32642724, 34952640, 30861589).

Clinical Genomics Laboratory, Washington University in St. Louis
Classification: Likely pathogenic for Vascular malformation. Last evaluated: 2024-07-05. Review status: criteria provided, single submitter. Criteria: Leon-Quintero et al. (Clin Genet. 2025). Collection method: clinical testing. Allele origin: somatic. Affected: yes.
Comment: A PIK3R1 c.1357_1362del (p.Asn453_Thr454del) variant was identified at an allelic fraction consistent with somatic origin. This variant is absent from the general population (gnomAD v4.1.0), indicating it is not a common variant. This variant resides within a region, the inter-SH2 domain, of PIK3R1 that is defined as a critical functional domain and is a region enriched with pathogenic variation in individuals with vascular malformations and overgrowth (Liu S et al., PMID: 24459181; Chen L et al., PMID: 29636477; Cottrell C et al., PMID: 34040190; Cheung LW et al., PMID: 26807692). This variant is predicted to cause a change in the length of the protein due to an in-frame deletion of 2 amino acids in a non-repeat region. Based on available information and an internally developed protocol informed by the ACMG/AMP guidelines for variant interpretation and gene-specific practices from the ClinGen Criteria Specification Registry (Leon-Quintero FZ et al., PMID: 39434542), the PIK3R1 c.1357_1362del (p.Asn453_Thr454del) variant is classified as likely pathogenic.

Literature cited by the submitters: PubMed 32642724 (cited by Institute for Genomic Medicine (IGM) Clinical Laboratory, Nationwide Children's Hospital); PubMed 34952640 (cited by Institute for Genomic Medicine (IGM) Clinical Laboratory, Nationwide Children's Hospital); PubMed 30861589 (cited by Institute for Genomic Medicine (IGM) Clinical Laboratory, Nationwide Children's Hospital).

NM_181523.3(PIK3R1):c.1357_1362del (p.Asn453_Thr454del)

Gene: PIK3R1 (phosphoinositide-3-kinase regulatory subunit 1; plus strand). Cytogenetic location: 5q13.1.
Variant type: Deletion.
Coding change: c.1357_1362del on transcript NM_181523.3 (MANE Select); coding-DNA positions 1357 to 1362, 6 bases deleted (AACACT; older notation c.1357_1362delAACACT).
Protein change: p.Asn453_Thr454del.
Genome position (GRCh38, 1-based): chr5:68,293,766-68,293,771, AACACT deleted; deleting any 6 consecutive bases within chr5:68,293,765-68,293,771 gives the same sequence; the c. name uses the placement nearest the transcript's 3' end. VCF-style (leftmost placement, unchanged base first): chr5-68293764-ATAACAC-A. GRCh37 (hg19) VCF-style: chr5-67589592-ATAACAC-A.
Other names: c.268_273del, p.Asn90_Thr91del (NM_001242466.2); c.547_552del, p.Asn183_Thr184del (NM_181504.4); c.457_462del, p.Asn153_Thr154del (NM_181524.2).
Identifiers: ClinVar variation 3774501 (VCV003774501.2).